The following is an entry in ClinVar:

NM_022132.5(MCCC2):c.811G>A (p.Gly271Arg)

Gene: MCCC2 (methylcrotonyl-CoA carboxylase subunit 2; plus strand). Cytogenetic location: 5q13.2.
Variant type: single nucleotide variant.
Coding change: c.811G>A on transcript NM_022132.5 (MANE Select); coding-DNA position 811, G replaced by A.
Protein change: p.Gly271Arg; replaces glycine 271 with arginine.
Molecular consequence: missense variant.
Genome position (GRCh38, 1-based): chr5:71,634,950, G>A. VCF-style: chr5-71634950-G-A. GRCh37 (hg19) VCF-style: chr5-70930777-G-A.
Other names: c.697G>A, p.Gly233Arg (NM_001363147.1); short protein forms G271R, G233R.
Identifiers: ClinVar variation 1524591 (VCV001524591.8), dbSNP rs2112437351, ClinGen allele CA359986078.

ClinVar aggregate classification (germline): Uncertain significance (1 of 4 stars; one submission).

Conditions:
3-methylcrotonyl-CoA carboxylase 2 deficiency. Also called: METHYLCROTONYLGLYCINURIA, TYPE II; 3 alpha methylcrotonyl-CoA carboxylase 2 deficiency; 3 alpha methylcrotonylglycinuria 2; MCC 2 deficiency; Methylcrotonylglycinuria type 2. Identifiers: Orphanet 6, MedGen C1859499, MONDO:0008862, OMIM 210210.

Submission:

Labcorp Genetics (formerly Invitae), Labcorp
Classification: Uncertain significance for 3-methylcrotonyl-CoA carboxylase 2 deficiency. Last evaluated: 2021-04-09. Review status: criteria provided, single submitter. Criteria: Invitae Variant Classification Sherloc (09022015). Collection method: clinical testing. Allele origin: germline.
Comment: Advanced modeling of protein sequence and biophysical properties (such as structural, functional, and spatial information, amino acid conservation, physicochemical variation, residue mobility, and thermodynamic stability) performed at Invitae indicates that this missense variant is expected to disrupt MCCC2 protein function. In summary, the available evidence is currently insufficient to determine the role of this variant in disease. Therefore, it has been classified as a Variant of Uncertain Significance. This variant has not been reported in the literature in individuals with MCCC2-related conditions. This variant is not present in population databases (ExAC no frequency). This sequence change replaces glycine with arginine at codon 271 of the MCCC2 protein (p.Gly271Arg). The glycine residue is highly conserved and there is a moderate physicochemical difference between glycine and arginine.